The following is an entry in ClinVar:

NM_080680.3(COL11A2):c.4338+1G>A

Gene: COL11A2 (collagen type XI alpha 2 chain; minus strand). Cytogenetic location: 6p21.32.
Variant type: single nucleotide variant.
Coding change: c.4338+1G>A on transcript NM_080680.3 (MANE Select); the canonical splice donor site of the intron after coding-DNA position 4338, G replaced by A.
Molecular consequence: splice donor variant.
Genome position (GRCh38, 1-based): chr6:33,166,719, C>T on the plus strand (G>A on the coding strand, the complement: COL11A2 is on the minus strand). VCF-style: chr6-33166719-C-T. GRCh37 (hg19) VCF-style: chr6-33134496-C-T.
Other names: c.3312+1G>A (NM_001424111.1, NM_001424110.1); c.4017+1G>A (NM_080679.3); c.4080+1G>A (NM_080681.3); c.4158+1G>A (NM_001424108.1); c.3492+1G>A (NM_001424109.1); c.2292+1G>A (NM_001424112.1).
Identifiers: ClinVar variation 4537450 (VCV004537450.1).

ClinVar aggregate classification (germline): Uncertain significance (1 of 4 stars; one submission).

Conditions:
Monogenic hearing loss.

Submission:

Genetics Laboratory, Great Ormond Street Hospital NHS Foundation Trust, North Thames Genomic Laboratory Hub
Classification: Uncertain significance for Monogenic hearing loss. Last evaluated: 2025-10-15. Review status: criteria provided, single submitter. Criteria: ACGS Best Practice Guidelines for Variant Classification in Rare Disease 2024 v1.2. Collection method: clinical testing. Allele origin: germline. Affected: yes.
Comment: PM2_moderate, PVS1_moderate